The following is an entry in ClinVar:

ClinVar aggregate classification (germline): Uncertain significance (1 of 4 stars; one submission).

Conditions:
Joubert syndrome. Also called: CEREBELLOPARENCHYMAL DISORDER IV; JOUBERT-BOLTSHAUSER SYNDROME; Familial aplasia of the vermis. Identifiers: Orphanet 475, MedGen C5979921, MONDO:0018772.
Meckel-Gruber syndrome. Also called: DYSENCEPHALIA SPLANCHNOCYSTICA; GRUBER SYNDROME; Dysencephalia splachnocystica. Identifiers: Orphanet 564, MedGen C0265215, MONDO:0018921.

Submission:

Labcorp Genetics (formerly Invitae), Labcorp
Classification: Uncertain significance for Joubert syndrome; Meckel-Gruber syndrome. Last evaluated: 2022-03-31. Review status: criteria provided, single submitter. Criteria: Invitae Variant Classification Sherloc (09022015). Collection method: clinical testing. Allele origin: germline.
Comment: Information on the frequency of this variant in the gnomAD database is not available, as this variant may be reported differently in the database. This sequence change falls in intron 9 of the TCTN2 gene. It does not directly change the encoded amino acid sequence of the TCTN2 protein. This variant has not been reported in the literature in individuals affected with TCTN2-related conditions. Experimental studies and prediction algorithms are not available or were not evaluated, and the effect of this variant on mRNA splicing is currently unknown. In summary, the available evidence is currently insufficient to determine the role of this variant in disease. Therefore, it has been classified as a Variant of Uncertain Significance.

NM_024809.5(TCTN2):c.1099+19_1099+20inv

Gene: TCTN2 (tectonic family member 2; plus strand). Cytogenetic location: 12q24.31.
Variant type: Inversion.
Coding change: c.1099+19_1099+20inv on transcript NM_024809.5 (MANE Select).
Molecular consequence: intron variant.
Genome position: GRCh38 VCF-style: chr12-123692742-TG-CA. GRCh37 (hg19) VCF-style: chr12-124177289-TG-CA.
Other names: c.1096+19_1096+20inv (NM_001143850.3).
Identifiers: ClinVar variation 2119292 (VCV002119292.4), ClinGen allele CA2580085952.